The following is an entry in ClinVar:

ClinVar aggregate classification (germline): Likely benign. Review status: criteria provided, multiple submitters, no conflicts (2 of 4 stars). 2 submissions from 2 submitters: Likely benign (2). Last evaluated 2026-04-01.

Conditions:
Alpha thalassemia-X-linked intellectual disability syndrome (ATRX). Also called: ALPHA-THALASSEMIA/MENTAL RETARDATION SYNDROME, X-LINKED; ATR, NONDELETION TYPE; ATR-X syndrome; Alpha thalassemia mental retardation syndrome, nondeletion type, X-linked; XLMR hypotonic face syndrome; X-linked alpha-thalassemia-mental retardation syndrome. Identifiers: Orphanet 847, MedGen C1845055, MONDO:0010519, OMIM 301040.

Allele frequency attached by ClinVar (database versions not stated): ExAC 0.00001; gnomAD 0.00003; gnomAD exomes below 0.00001 and 0.00001; TOPMed 0.00003.
gnomAD v4.1: 6 of 1,200,028 alleles (0.0005%); highest among the groups gnomAD compares: Admixed American, 0.0022%; no homozygotes.

Submissions (2):

CeGaT Center for Human Genetics Tuebingen
Classification: Likely benign. Last evaluated: 2026-04-01. Review status: criteria provided, single submitter. Criteria: CeGaT Center For Human Genetics Tuebingen Variant Classification Criteria Version 2. Collection method: clinical testing. Allele origin: germline. Affected: yes. Observed: 1 variant allele.
Comment: ATRX: BP4, BP7

Labcorp Genetics (formerly Invitae), Labcorp
Classification: Likely benign for Alpha thalassemia-X-linked intellectual disability syndrome. Last evaluated: 2024-10-24. Review status: criteria provided, single submitter. Criteria: Invitae Variant Classification Sherloc (09022015). Collection method: clinical testing. Allele origin: germline.

NM_000489.6(ATRX):c.5538C>T (p.Leu1846=)

Gene: ATRX (ATRX chromatin remodeler; minus strand). Cytogenetic location: Xq21.1.
Variant type: single nucleotide variant.
Coding change: c.5538C>T on transcript NM_000489.6 (MANE Select); coding-DNA position 5538, C replaced by T.
Protein change: p.Leu1846=; no amino-acid change (leucine 1846 retained).
Molecular consequence: synonymous variant.
Genome position (GRCh38, 1-based): chrX:77,616,641, G>A on the plus strand (C>T on the coding strand, the complement: ATRX is on the minus strand). VCF-style: chrX-77616641-G-A. GRCh37 (hg19) VCF-style: chrX-76872109-G-A.
Other names: c.5424C>T, p.Leu1808= (NM_138270.5).
Identifiers: ClinVar variation 1145786 (VCV001145786.11), dbSNP rs782737091, ClinGen allele CA10457671.